The following is an entry in ClinVar:

NM_012179.4(FBXO7):c.1183C>T (p.Leu395=)

Gene: FBXO7 (F-box protein 7; plus strand). Cytogenetic location: 22q12.3.
Variant type: single nucleotide variant.
Coding change: c.1183C>T on transcript NM_012179.4 (MANE Select); coding-DNA position 1183, C replaced by T.
Protein change: p.Leu395=; no amino-acid change (leucine 395 retained).
Molecular consequence: synonymous variant.
Genome position (GRCh38, 1-based): chr22:32,498,144, C>T. VCF-style: chr22-32498144-C-T. GRCh37 (hg19) VCF-style: chr22-32894131-C-T.
Other names: c.946C>T, p.Leu316= (NM_001033024.2); c.841C>T, p.Leu281= (NM_001257990.2).
Identifiers: ClinVar variation 1930535 (VCV001930535.2), dbSNP rs1328083173, ClinGen allele CA514302266.

ClinVar aggregate classification (germline): Uncertain significance (1 of 4 stars; one submission).

Conditions:
Parkinsonian-pyramidal syndrome. Also called: PARKINSON DISEASE 15, AUTOSOMAL RECESSIVE; PARKINSON DISEASE 15, AUTOSOMAL RECESSIVE EARLY-ONSET; PALLIDOPYRAMIDAL SYNDROME. Identifiers: Orphanet 171695, MedGen C1850100, MONDO:0009830, OMIM 260300.

Allele frequency attached by ClinVar (database versions not stated): TOPMed 0.00001.
gnomAD v4.1: 9 of 1,614,076 alleles (0.00056%); highest among the groups gnomAD compares: African/African-American, 0.0013%; no homozygotes.

Submission:

Labcorp Genetics (formerly Invitae), Labcorp
Classification: Uncertain significance for Parkinsonian-pyramidal syndrome. Last evaluated: 2022-11-01. Review status: criteria provided, single submitter. Criteria: Invitae Variant Classification Sherloc (09022015). Collection method: clinical testing. Allele origin: germline.
Comment: This sequence change affects codon 395 of the FBXO7 mRNA. It is a 'silent' change, meaning that it does not change the encoded amino acid sequence of the FBXO7 protein. It affects a nucleotide within the consensus splice site. This variant is present in population databases (no rsID available, gnomAD 0.0009%). This variant has not been reported in the literature in individuals affected with FBXO7-related conditions. Algorithms developed to predict the effect of sequence changes on RNA splicing suggest that this variant is not likely to affect RNA splicing. In summary, the available evidence is currently insufficient to determine the role of this variant in disease. Therefore, it has been classified as a Variant of Uncertain Significance.